The following is an entry in ClinVar:

ClinVar aggregate classification (germline): Uncertain significance (1 of 4 stars; one submission).

Submission:

GeneDx
Classification: Uncertain significance. Last evaluated: 2017-01-05. Review status: criteria provided, single submitter. Criteria: GeneDx Variant Classification (06012015). Collection method: clinical testing. Allele origin: germline. Affected: yes.
Comment: A variant of uncertain significance has been identified in the ALPK3 gene. The G1862D variant has not been published as pathogenic or been reported as benign to our knowledge. This variant is not observed in large population cohorts (Lek et al., 2016; 1000 Genomes Consortium et al., 2015; Exome Variant Server). The G1862D variant is a non-conservative amino acid substitution, which is likely to impact secondary protein structure as these residues differ in polarity, charge, size and/or other properties. In silico analysis predicts this variant is probably damaging to the protein structure/function. However, to our knowledge no studies have been performed to determine the functional effect of the G1862D variant. Furthermore, this substitution occurs at a position that is not conserved across species.

NM_020778.5(ALPK3):c.4979G>A (p.Gly1660Asp)

Gene: ALPK3 (alpha kinase 3; plus strand). Cytogenetic location: 15q25.3.
Variant type: single nucleotide variant.
Coding change: c.4979G>A on transcript NM_020778.5 (MANE Select); coding-DNA position 4979, G replaced by A.
Protein change: p.Gly1660Asp; replaces glycine 1660 with aspartic acid.
Molecular consequence: missense variant.
Genome position (GRCh38, 1-based): chr15:84,868,317, G>A. VCF-style: chr15-84868317-G-A. GRCh37 (hg19) VCF-style: chr15-85411548-G-A.
Other names: short protein forms G1862D, G1660D.
Identifiers: ClinVar variation 422954 (VCV000422954.2), dbSNP rs1064796120, ClinGen allele CA16620015.